The following is an entry in ClinVar:

ClinVar aggregate classification (germline): Pathogenic. Review status: reviewed by expert panel (3 of 4 stars). 3 submissions from 3 submitters: Pathogenic (1). 2 of the submissions do not count toward it. Last evaluated 2017-12-15.

Conditions:
Hereditary breast ovarian cancer syndrome. Also called: Hereditary breast and ovarian cancer syndrome (HBOC); BRCA1- and BRCA2-Associated Hereditary Breast and Ovarian Cancer; Hereditary breast and/or ovarian cancer syndrome; Hereditary breast and ovarian cancer syndrome; Hereditary breast and ovarian cancer; Breast and ovarian cancer. Identifiers: Orphanet 145, MedGen C0677776, MeSH D061325, MONDO:0003582. Disease mechanism: loss of function.
Breast-ovarian cancer, familial, susceptibility to, 1 (BROVCA1). Also called: BRCA1 Hereditary Breast and Ovarian Cancer; OVARIAN CANCER, SUSCEPTIBILITY TO. Identifiers: Orphanet 145, MedGen C2676676, MONDO:0011450, OMIM 604370. Disease mechanism: loss of function.

Submissions (3):

Evidence-based Network for the Interpretation of Germline Mutant Alleles (ENIGMA)
Classification: Pathogenic for Breast-ovarian cancer, familial, susceptibility to, 1. Last evaluated: 2017-12-15. Review status: reviewed by expert panel. Criteria: ENIGMA BRCA1/2 Classification Criteria (2017-06-29). Collection method: curation. Allele origin: germline. Study: ENIGMA.
Comment: Variant allele predicted to encode a truncated non-functional protein.

Labcorp Genetics (formerly Invitae), Labcorp
Classification: Pathogenic for Hereditary breast ovarian cancer syndrome. Last evaluated: 2020-10-01. Review status: criteria provided, single submitter. Criteria: Invitae Variant Classification Sherloc (09022015). Collection method: clinical testing. Allele origin: germline. Not counted in ClinVar's aggregate classification.
Comment: For these reasons, this variant has been classified as Pathogenic. This variant is expected to disrupt a portion of the C-terminal region of the BRCA1 protein containing the BRCT domain (residues Val1646-Pro1859) (PMID: 25652403). Although functional studies have not been performed for this particular variant, the BRCT domain is critical for BRCA1 DNA repair activity (PMID: 11573086, 14576433, 15133503, 25652403). This suggests that disruption of this region of the BRCA1 protein is causative of disease. This variant has not been reported in the literature in individuals with BRCA1-related conditions. ClinVar contains an entry for this variant (Variation ID: 433737). This variant is not present in population databases (ExAC no frequency). This sequence change results in a premature translational stop signal in the BRCA1 gene (p.Val1810Cysfs*20). While this is not anticipated to result in nonsense mediated decay, it is expected to disrupt the last 54 amino acid(s) of the BRCA1 protein.

Department of Pathology and Laboratory Medicine, Sinai Health System
Classification: Likely pathogenic for Hereditary breast ovarian cancer syndrome. Last evaluated: 2014-06-27. Review status: criteria provided, single submitter. Criteria: ACMG Guidelines, 2015. Collection method: clinical testing. Allele origin: germline. Affected: yes. Study: The Canadian Open Genetics Repository (COGR). Not counted in ClinVar's aggregate classification.

Literature cited by the submitters: PubMed 25652403 (cited by Labcorp Genetics (formerly Invitae), Labcorp); PubMed 11573086 (cited by Labcorp Genetics (formerly Invitae), Labcorp); PubMed 14576433 (cited by Labcorp Genetics (formerly Invitae), Labcorp); PubMed 15133503 (cited by Labcorp Genetics (formerly Invitae), Labcorp).

NM_007294.4(BRCA1):c.5427dup (p.Val1810fs)

Gene: BRCA1 (BRCA1 DNA repair associated; minus strand). Cytogenetic location: 17q21.31.
Variant type: Duplication.
Coding change: c.5427dup on transcript NM_007294.4 (MANE Select); coding-DNA position 5427, one base duplicated (T; older notation c.5427dupT).
Protein change: p.Val1810fs; shifts the reading frame from valine 1810.
Molecular consequence: frameshift variant. On other transcripts: non-coding transcript variant (1).
Genome position (GRCh38, 1-based): chr17:43,047,683, A duplicated on the plus strand (T on the coding strand, the reverse complement: BRCA1 is on the minus strand); the first of 2 consecutive A bases (chr17:43,047,683-43,047,684); duplicating either gives the same sequence. VCF-style (leftmost placement, unchanged base first): chr17-43047682-C-CA. GRCh37 (hg19) VCF-style: chr17-41199699-C-CA.
Other names: c.5427dupT (NM_007294.3); c.1973dup, p.Val659Cysfs (NM_001408466.1, NM_001408467.1, NM_001408458.1 and 7 more transcripts); c.1970dup, p.Val658Cysfs (NM_001408468.1, NM_001408469.1, NM_001408470.1); c.2040dup, p.Cys681Leufs (NM_001408472.1); c.2037dup, p.Cys680Leufs (NM_001408473.1); c.1916dup, p.Val640Cysfs (NM_001408474.1); c.1913dup, p.Val639Cysfs (NM_001408475.1, NM_001408476.1); c.1907dup, p.Val637Cysfs (NM_001408478.1, NM_001408479.1, NM_001408480.1); and 87 more; short protein forms V706fs, V1763fs, V1810fs, C681fs, V1831fs.
Identifiers: ClinVar variation 433737 (VCV000433737.10), dbSNP rs1555574739, ClinGen allele CA645373165.